The following is an entry in ClinVar:

ClinVar aggregate classification (germline): Uncertain significance (1 of 4 stars; one submission).

Allele frequency attached by ClinVar (database versions not stated): gnomAD exomes 0.00001.
gnomAD v4.1: 19 of 1,614,128 alleles (0.0012%); highest among the groups gnomAD compares: South Asian, 0.0088%; no homozygotes.

Submission:

Labcorp Genetics (formerly Invitae), Labcorp
Classification: Uncertain significance. Last evaluated: 2025-05-15. Review status: criteria provided, single submitter. Criteria: Invitae Variant Classification Sherloc (09022015). Collection method: clinical testing. Allele origin: germline.
Comment: This sequence change replaces glycine, which is neutral and non-polar, with aspartic acid, which is acidic and polar, at codon 501 of the HYOU1 protein (p.Gly501Asp). This variant is present in population databases (no rsID available, gnomAD 0.01%). This variant has not been reported in the literature in individuals affected with HYOU1-related conditions. ClinVar contains an entry for this variant (Variation ID: 1522521). An algorithm developed to predict the effect of missense changes on protein structure and function (PolyPhen-2) suggests that this variant is likely to be tolerated. In summary, the available evidence is currently insufficient to determine the role of this variant in disease. Therefore, it has been classified as a Variant of Uncertain Significance.

NM_006389.5(HYOU1):c.1502G>A (p.Gly501Asp)

Gene: HYOU1 (hypoxia up-regulated 1; minus strand). Cytogenetic location: 11q23.3.
Variant type: single nucleotide variant.
Coding change: c.1502G>A on transcript NM_006389.5 (MANE Select); coding-DNA position 1502, G replaced by A.
Protein change: p.Gly501Asp; replaces glycine 501 with aspartic acid.
Molecular consequence: missense variant.
Genome position (GRCh38, 1-based): chr11:119,051,462, C>T on the plus strand (G>A on the coding strand, the complement: HYOU1 is on the minus strand). VCF-style: chr11-119051462-C-T. GRCh37 (hg19) VCF-style: chr11-118922174-C-T.
Other names: c.1502G>A, p.Gly501Asp (NM_001130991.3); short protein forms G501D.
Identifiers: ClinVar variation 1522521 (VCV001522521.6), dbSNP rs1416941227, ClinGen allele CA382937270.